The following is an entry in ClinVar:

NM_003504.5(CDC45):c.805C>T (p.Arg269Trp)

Gene: CDC45 (cell division cycle 45; plus strand). Cytogenetic location: 22q11.21.
Variant type: single nucleotide variant.
Coding change: c.805C>T on transcript NM_003504.5 (MANE Select); coding-DNA position 805, C replaced by T.
Protein change: p.Arg269Trp; replaces arginine 269 with tryptophan.
Molecular consequence: missense variant. On other transcripts: non-coding transcript variant (1).
Genome position (GRCh38, 1-based): chr22:19,505,462, C>T. VCF-style: chr22-19505462-C-T. GRCh37 (hg19) VCF-style: chr22-19492985-C-T.
Other names: c.901C>T, p.Arg301Trp (NM_001178010.2); c.667C>T, p.Arg223Trp (NM_001178011.2); c.769C>T, p.Arg257Trp (NM_001369291.1); short protein forms R223W, R257W, R269W, R301W.
Identifiers: ClinVar variation 2577585 (VCV002577585.2), dbSNP rs775674265, ClinGen allele CA10101233.

ClinVar aggregate classification (germline): Uncertain significance. Review status: criteria provided, multiple submitters, no conflicts (2 of 4 stars). 2 submissions from 2 submitters: Uncertain significance (2). Last evaluated 2024-11-27.

Allele frequency attached by ClinVar (database versions not stated): gnomAD 0.00001; gnomAD exomes 0.00001; TOPMed 0.00001; ExAC 0.00002.
gnomAD v4.1: 25 of 1,613,970 alleles (0.0015%); highest among the groups gnomAD compares: Middle Eastern, 0.033%; no homozygotes.

Submissions (2):

Blueprint Genetics
Classification: Uncertain significance. Last evaluated: 2024-11-27. Review status: criteria provided, single submitter. Criteria: ACMG Guidelines, 2015. Collection method: clinical testing. Allele origin: germline.

GeneDx
Classification: Uncertain significance. Last evaluated: 2023-02-25. Review status: criteria provided, single submitter. Criteria: GeneDx Variant Classification Process June 2021. Collection method: clinical testing. Allele origin: germline. Affected: yes.
Comment: In silico analysis supports that this missense variant has a deleterious effect on protein structure/function; Has not been previously published as pathogenic or benign to our knowledge